The following is an entry in ClinVar:

NM_014795.4(ZEB2):c.385G>A (p.Ala129Thr)

Gene: ZEB2 (zinc finger E-box binding homeobox 2; minus strand). Cytogenetic location: 2q22.3.
Variant type: single nucleotide variant.
Coding change: c.385G>A on transcript NM_014795.4 (MANE Select); coding-DNA position 385, G replaced by A.
Protein change: p.Ala129Thr; replaces alanine 129 with threonine.
Molecular consequence: missense variant. On other transcripts: intron variant (1).
Genome position (GRCh38, 1-based): chr2:144,424,814, C>T on the plus strand (G>A on the coding strand, the complement: ZEB2 is on the minus strand). VCF-style: chr2-144424814-C-T. GRCh37 (hg19) VCF-style: chr2-145182381-C-T.
Other names: p.A129T:GCA>ACA; p.Ala129Thr; c.331+4955G>A (NM_001171653.2); short protein forms A129T.
Identifiers: ClinVar variation 181726 (VCV000181726.18), dbSNP rs730881187, ClinGen allele CA297583.

ClinVar aggregate classification (germline): Conflicting classifications of pathogenicity. Review status: criteria provided, conflicting classifications (1 of 4 stars). 7 submissions from 7 submitters: Uncertain significance (3); Benign (1); Likely benign (2). 1 of the submissions does not count toward it. Last evaluated 2024-08-15.

Conditions:
ZEB2-related disorder. Also called: ZEB2-related condition.
Inborn genetic diseases. Identifiers: MedGen C0950123, MeSH D030342.
Mowat-Wilson syndrome (MOWS). Also called: Classic Mowat-Wilson Syndrome. Identifiers: Orphanet 2152, MedGen C1856113, MONDO:0009341, OMIM 235730.

Allele frequency attached by ClinVar (database versions not stated): ExAC 0.00001; gnomAD 0.00001; gnomAD exomes 0.00002; TOPMed 0.00002.

Submissions (7):

Labcorp Genetics (formerly Invitae), Labcorp
Classification: Benign for Mowat-Wilson syndrome. Last evaluated: 2024-08-15. Review status: criteria provided, single submitter. Criteria: Invitae Variant Classification Sherloc (09022015). Collection method: clinical testing. Allele origin: germline.

Department of Pathology and Laboratory Medicine, Sinai Health System
Classification: Uncertain significance for Mowat-Wilson syndrome. Last evaluated: 2023-04-27. Review status: criteria provided, single submitter. Criteria: ACMG Guidelines, 2015. Collection method: research. Allele origin: germline.

Foundation for Research in Genetics and Endocrinology, FRIGE's Institute of Human Genetics
Classification: Uncertain significance for Mowat-Wilson syndrome. Last evaluated: 2022-05-20. Review status: criteria provided, single submitter. Criteria: ACMG Guidelines, 2015. Collection method: clinical testing. Allele origin: germline. Inheritance: Autosomal dominant inheritance. Affected: yes. Observed: 1 compound heterozygote.
Comment: A heterozygous missense variation in exon 4 of the ZEB2 gene that results in the amino acid substitution of threonine for alanine at codon 129 was detected. The observed variant c.385G>A (p.Ala129Thr) has not been reported in the 1000 genomes and gnomAD databases. The in silico prediction of the variant are possibly damaging by PolyPhen-2 (HumDiv) and damaging by LRT and MutationTaster2. The reference codon is conserved across species. In summary, the variant meets our criteria to be classified as uncertain significance.

Genome-Nilou Lab
Classification: Uncertain significance for Mowat-Wilson syndrome. Last evaluated: 2021-11-07. Review status: criteria provided, single submitter. Criteria: ACMG Guidelines, 2015. Collection method: clinical testing. Allele origin: germline. Affected: no.

Ambry Genetics
Classification: Likely benign for Inborn genetic diseases. Last evaluated: 2017-11-15. Review status: criteria provided, single submitter. Criteria: Ambry Variant Classification Scheme 2023. Collection method: clinical testing. Allele origin: germline.

GeneDx
Classification: Likely benign. Last evaluated: 2014-04-22. Review status: criteria provided, single submitter. Criteria: GeneDx Variant Classification (06012015). Collection method: clinical testing. Allele origin: germline. Affected: yes.
Comment: This variant is considered likely benign or benign based on one or more of the following criteria: it is a conservative change, it occurs at a poorly conserved position in the protein, it is predicted to be benign by multiple in silico algorithms, and/or has population frequency not consistent with disease.

PreventionGenetics, part of Exact Sciences
Classification: Uncertain significance for ZEB2-related condition. Last evaluated: 2024-06-21. Review status: no assertion criteria provided. Collection method: clinical testing. Allele origin: germline. Not counted in ClinVar's aggregate classification.
Comment: The ZEB2 c.385G>A variant is predicted to result in the amino acid substitution p.Ala129Thr. To our knowledge, this variant has not been reported in the literature. This variant is reported in 0.0098% of alleles in individuals of South Asian descent in gnomAD. This variant could be benign. At this time, the clinical significance of this variant is uncertain due to the absence of conclusive functional and genetic evidence.